The following is an entry in ClinVar:

ClinVar aggregate classification (germline): Conflicting classifications of pathogenicity. Review status: criteria provided, conflicting classifications (1 of 4 stars). 3 submissions from 3 submitters: Uncertain significance (1); Likely benign (1). 1 of the submissions does not count toward it. Last evaluated 2026-01-22.

Conditions:
Spastic paraplegia. Identifiers: MedGen C0037772, HP:0001258.
Charlevoix-Saguenay spastic ataxia (SACS). Also called: SPASTIC ATAXIA 6, AUTOSOMAL RECESSIVE; Spastic ataxia of Charlevoix-Saguenay; AUTOSOMAL RECESSIVE SPASTIC ATAXIA OF CHARLEVOIX-SAGUENAY. Identifiers: Orphanet 98, MedGen C1849140, MONDO:0010041, OMIM 270550.

Allele frequency attached by ClinVar (database versions not stated): gnomAD exomes 0.00002 and 0.00004; TOPMed 0.00002; ExAC 0.00003; gnomAD 0.00003.

Submissions (3):

Labcorp Genetics (formerly Invitae), Labcorp
Classification: Likely benign for Spastic paraplegia. Last evaluated: 2026-01-22. Review status: criteria provided, single submitter. Criteria: Invitae Variant Classification Sherloc (09022015). Collection method: clinical testing. Allele origin: germline.

Center for Pediatric Genomic Medicine, Children's Mercy Hospital and Clinics
Classification: Uncertain significance. Last evaluated: 2016-11-22. Review status: criteria provided, single submitter. Criteria: ACMG Guidelines, 2015. Collection method: clinical testing. Allele origin: germline.
ClinVar note: Converted during submission from Uncertain Significance to Uncertain significance.

Natera, Inc.
Classification: Uncertain significance for Charlevoix-Saguenay type spastic ataxia. Last evaluated: 2019-11-11. Review status: no assertion criteria provided. Collection method: clinical testing. Allele origin: germline. Not counted in ClinVar's aggregate classification.

NM_014363.6(SACS):c.5842G>A (p.Asp1948Asn)

Gene: SACS (sacsin molecular chaperone; minus strand). Cytogenetic location: 13q12.12.
Variant type: single nucleotide variant.
Coding change: c.5842G>A on transcript NM_014363.6 (MANE Select); coding-DNA position 5842, G replaced by A.
Protein change: p.Asp1948Asn; replaces aspartic acid 1948 with asparagine.
Molecular consequence: missense variant.
Genome position (GRCh38, 1-based): chr13:23,338,034, C>T on the plus strand (G>A on the coding strand, the complement: SACS is on the minus strand). VCF-style: chr13-23338034-C-T. GRCh37 (hg19) VCF-style: chr13-23912173-C-T.
Other names: c.5401G>A, p.Asp1801Asn (NM_001278055.2); short protein forms D1948N, D1801N.
Identifiers: ClinVar variation 377134 (VCV000377134.11), dbSNP rs772515267, ClinGen allele CA6911188.